The following is an entry in ClinVar:

ClinVar aggregate classification (germline): Uncertain significance (1 of 4 stars; one submission).

Submission:

GeneDx
Classification: Uncertain significance. Last evaluated: 2019-11-06. Review status: criteria provided, single submitter. Criteria: GeneDx Variant Classification Process June 2021. Collection method: clinical testing. Allele origin: germline. Affected: yes.
Comment: Not observed in large population cohorts (Lek et al., 2016); In silico analysis, which includes protein predictors and evolutionary conservation, supports a deleterious effect; Has not been previously published as pathogenic or benign to our knowledge

NM_052989.3(IFT122):c.2351_2357delinsTTGGTGG (p.Cys784_Asp786delinsPheGlyGly)

Gene: IFT122 (intraflagellar transport 122; plus strand). Cytogenetic location: 3q22.1.
Variant type: Indel.
Coding change: c.2351_2357delinsTTGGTGG on transcript NM_052989.3 (MANE Select); coding-DNA positions 2351 to 2357, GTGGTGA replaced by TTGGTGG.
Protein change: p.Cys784_Asp786delinsPheGlyGly.
Molecular consequence: missense variant.
Genome position (GRCh38, 1-based): chr3:129,500,044-129,500,050, GTGGTGA replaced by TTGGTGG. VCF-style: chr3-129500044-GTGGTGA-TTGGTGG. GRCh37 (hg19) VCF-style: chr3-129218887-GTGGTGA-TTGGTGG.
Other names: c.2327_2333delinsTTGGTGG, p.Cys776_Asp778delinsPheGlyGly (NM_001280541.2); c.1901_1907delinsTTGGTGG, p.Cys634_Asp636delinsPheGlyGly (NM_001280545.2); c.1724_1730delinsTTGGTGG, p.Cys575_Asp577delinsPheGlyGly (NM_001280546.2); c.2174_2180delinsTTGGTGG, p.Cys725_Asp727delinsPheGlyGly (NM_018262.4); c.2504_2510delinsTTGGTGG, p.Cys835_Asp837delinsPheGlyGly (NM_052985.4); c.2018_2024delinsTTGGTGG, p.Cys673_Asp675delinsPheGlyGly (NM_052990.3).
Identifiers: ClinVar variation 1310327 (VCV001310327.2), dbSNP rs2108520435, ClinGen allele CA2573052081.